The following is an entry in ClinVar:

NM_014714.4(IFT140):c.4022G>C (p.Arg1341Thr)

Gene: IFT140 (intraflagellar transport 140; minus strand). Cytogenetic location: 16p13.3.
Variant type: single nucleotide variant.
Coding change: c.4022G>C on transcript NM_014714.4 (MANE Select); coding-DNA position 4022, G replaced by C.
Protein change: p.Arg1341Thr; replaces arginine 1341 with threonine.
Molecular consequence: missense variant.
Genome position (GRCh38, 1-based): chr16:1,519,899, C>G on the plus strand (G>C on the coding strand, the complement: IFT140 is on the minus strand). VCF-style: chr16-1519899-C-G. GRCh37 (hg19) VCF-style: chr16-1569900-C-G.
Other names: short protein forms R1341T.
Identifiers: ClinVar variation 1431960 (VCV001431960.6), dbSNP rs1054102092, ClinGen allele CA276675247.

ClinVar aggregate classification (germline): Uncertain significance (1 of 4 stars; one submission).

Conditions:
Saldino-Mainzer syndrome (SRTD9). Also called: Renal dysplasia, retinal pigmentary dystrophy, cerebellar ataxia and skeletal dysplasia; CONORENAL SYNDROME; SHORT-RIB THORACIC DYSPLASIA 9 WITHOUT POLYDACTYLY; short-rib thoracic dysplasia 9 with or without polydactyly. Identifiers: Orphanet 140969, MedGen C1849437, MONDO:0009964, OMIM 266920.

gnomAD v4.1: 10 of 1,563,850 alleles (0.00064%); highest among the groups gnomAD compares: Non-Finnish European, 0.00086%; no homozygotes.

Submission:

Labcorp Genetics (formerly Invitae), Labcorp
Classification: Uncertain significance for Saldino-Mainzer syndrome. Last evaluated: 2024-11-05. Review status: criteria provided, single submitter. Criteria: Invitae Variant Classification Sherloc (09022015). Collection method: clinical testing. Allele origin: germline.
Comment: This sequence change replaces arginine, which is basic and polar, with threonine, which is neutral and polar, at codon 1341 of the IFT140 protein (p.Arg1341Thr). This variant is not present in population databases (gnomAD no frequency). This variant has not been reported in the literature in individuals affected with IFT140-related conditions. ClinVar contains an entry for this variant (Variation ID: 1431960). Invitae Evidence Modeling of protein sequence and biophysical properties (such as structural, functional, and spatial information, amino acid conservation, physicochemical variation, residue mobility, and thermodynamic stability) indicates that this missense variant is not expected to disrupt IFT140 protein function with a negative predictive value of 80%. In summary, the available evidence is currently insufficient to determine the role of this variant in disease. Therefore, it has been classified as a Variant of Uncertain Significance.